The following is an entry in ClinVar:

ClinVar aggregate classification (germline): Benign/Likely benign. Review status: criteria provided, multiple submitters, no conflicts (2 of 4 stars). 6 submissions from 6 submitters: Benign (2); Likely benign (4). Last evaluated 2026-02-02.

Conditions:
Myoclonic dystonia 11 (DYT11). Also called: Dystonia 11; Dystonia, alcohol responsive; Hereditary essential myoclonus; SGCE Myoclonus-Dystonia; Myoclonus-Dystonia; Myoclonic dystonia. Identifiers: Orphanet 36899, MedGen C1834570, MONDO:0008044, OMIM 159900.

Allele frequency attached by ClinVar (database versions not stated): gnomAD exomes 0.00029 and 0.00094; ExAC 0.00124; 1000 Genomes Project 30x 0.00250; 1000 Genomes Project 0.00280; gnomAD 0.00354 and 0.00393; ESP Exome Variant Server 0.00392; TOPMed 0.00406.
gnomAD v4.1: 974 of 1,611,698 alleles (0.06%); highest among the groups gnomAD compares: African/African-American, 1.2%; 5 homozygotes.

Submissions (6):

Labcorp Genetics (formerly Invitae), Labcorp
Classification: Benign for Myoclonic dystonia 11. Last evaluated: 2026-02-02. Review status: criteria provided, single submitter. Criteria: Invitae Variant Classification Sherloc (09022015). Collection method: clinical testing. Allele origin: germline.

CeGaT Center for Human Genetics Tuebingen
Classification: Likely benign. Last evaluated: 2025-11-01. Review status: criteria provided, single submitter. Criteria: CeGaT Center For Human Genetics Tuebingen Variant Classification Criteria Version 2. Collection method: clinical testing. Allele origin: germline. Affected: yes. Observed: 1 variant allele.
Comment: SGCE: BP4, BS1

GeneDx
Classification: Likely benign. Last evaluated: 2021-05-28. Review status: criteria provided, single submitter. Criteria: GeneDx Variant Classification Process June 2021. Collection method: clinical testing. Allele origin: germline. Affected: yes.
Comment: See Variant Classification Assertion Criteria.

Athena Diagnostics
Classification: Benign. Last evaluated: 2020-12-16. Review status: criteria provided, single submitter. Criteria: Athena Diagnostics criteria. Collection method: clinical testing. Allele origin: unknown.

Breakthrough Genomics
Classification: Likely benign. Review status: criteria provided, single submitter. Criteria: ACMG Guidelines, 2015. Collection method: not provided. Allele origin: germline. Inheritance: Autosomal dominant inheritance. Affected: yes.

PreventionGenetics, part of Exact Sciences
Classification: Likely benign. Review status: criteria provided, single submitter. Criteria: ACMG Guidelines, 2015. Collection method: clinical testing. Allele origin: germline.

NM_003919.3(SGCE):c.369G>C (p.Val123=)

Genes: CASD1 (CAS1 domain sialic acid O acetyltransferase 1; plus strand), SGCE (sarcoglycan epsilon; minus strand). Cytogenetic location: 7q21.3.
Variant type: single nucleotide variant.
Coding change: c.369G>C on transcript NM_003919.3 (MANE Select); coding-DNA position 369, G replaced by C.
Protein change: p.Val123=; no amino-acid change (valine 123 retained).
Molecular consequence: synonymous variant.
Genome position (GRCh38, 1-based): chr7:94,628,223, C>G on the plus strand (G>C on the coding strand, the complement: SGCE is on the minus strand). VCF-style: chr7-94628223-C-G. GRCh37 (hg19) VCF-style: chr7-94257535-C-G.
Other names: c.369G>C, p.Val123= (NM_001099400.2, NM_001099401.2, NM_001346717.2); c.246G>C, p.Val82= (NM_001301139.2, NM_001362809.2); c.477G>C, p.Val159= (NM_001346713.2, NM_001346715.2); c.282G>C, p.Val94= (NM_001346719.2, NM_001362807.2); c.96G>C, p.Val32= (NM_001346720.2, NM_001362808.2).
Identifiers: ClinVar variation 259197 (VCV000259197.21), dbSNP rs140913016, ClinGen allele CA4348836.